The following is an entry in ClinVar:

ClinVar aggregate classification (germline): Uncertain significance. Review status: criteria provided, multiple submitters, no conflicts (2 of 4 stars). 2 submissions from 2 submitters: Uncertain significance (2). Last evaluated 2025-01-16.

Conditions:
Cardiovascular phenotype. Identifiers: MedGen CN230736.
Catecholaminergic polymorphic ventricular tachycardia 1. Also called: VENTRICULAR TACHYCARDIA, CATECHOLAMINERGIC POLYMORPHIC, 1, WITH OR WITHOUT ATRIAL DYSFUNCTION AND/OR DILATED CARDIOMYOPATHY; RYR2-Related Catecholaminergic Polymorphic Ventricular Tachycardia; VENTRICULAR TACHYCARDIA, STRESS-INDUCED POLYMORPHIC 1. Identifiers: Orphanet 3286, MedGen C1631597, MONDO:0011484, OMIM 604772.

Allele frequency attached by ClinVar (database versions not stated): TOPMed 0.00002.
gnomAD v4.1: 2 of 1,603,572 alleles (0.00012%); highest among the groups gnomAD compares: African/African-American, 0.0027%; no homozygotes.

Submissions (2):

Labcorp Genetics (formerly Invitae), Labcorp
Classification: Uncertain significance for Catecholaminergic polymorphic ventricular tachycardia 1. Last evaluated: 2025-01-16. Review status: criteria provided, single submitter. Criteria: Invitae Variant Classification Sherloc (09022015). Collection method: clinical testing. Allele origin: germline.
Comment: This sequence change replaces proline, which is neutral and non-polar, with leucine, which is neutral and non-polar, at codon 3651 of the RYR2 protein (p.Pro3651Leu). This variant is not present in population databases (gnomAD no frequency). This variant has not been reported in the literature in individuals affected with RYR2-related conditions. ClinVar contains an entry for this variant (Variation ID: 1790268). Invitae Evidence Modeling of protein sequence and biophysical properties (such as structural, functional, and spatial information, amino acid conservation, physicochemical variation, residue mobility, and thermodynamic stability) indicates that this missense variant is not expected to disrupt RYR2 protein function with a negative predictive value of 95%. In summary, the available evidence is currently insufficient to determine the role of this variant in disease. Therefore, it has been classified as a Variant of Uncertain Significance.

Ambry Genetics
Classification: Uncertain significance for Cardiovascular phenotype. Last evaluated: 2024-02-05. Review status: criteria provided, single submitter. Criteria: Ambry Variant Classification Scheme 2023. Collection method: clinical testing. Allele origin: germline.
Comment: The p.P3651L variant (also known as c.10952C>T), located in coding exon 78 of the RYR2 gene, results from a C to T substitution at nucleotide position 10952. The proline at codon 3651 is replaced by leucine, an amino acid with similar properties. This amino acid position is well conserved in available vertebrate species. In addition, this alteration is predicted to be tolerated by in silico analysis. Since supporting evidence is limited at this time, the clinical significance of this alteration remains unclear.

NM_001035.3(RYR2):c.10952C>T (p.Pro3651Leu)

Gene: RYR2 (ryanodine receptor 2; plus strand). Cytogenetic location: 1q43.
Variant type: single nucleotide variant.
Coding change: c.10952C>T on transcript NM_001035.3 (MANE Select); coding-DNA position 10952, C replaced by T.
Protein change: p.Pro3651Leu; replaces proline 3651 with leucine.
Molecular consequence: missense variant.
Genome position (GRCh38, 1-based): chr1:237,732,062, C>T. VCF-style: chr1-237732062-C-T. GRCh37 (hg19) VCF-style: chr1-237895362-C-T.
Other names: short protein forms P3651L.
Identifiers: ClinVar variation 1790268 (VCV001790268.7), dbSNP rs1355761857, ClinGen allele CA345418932.
Genomic context (GRCh38, chr1:237,732,062, plus strand): 5'-ATTTTTTTTTAATGTGACATTTTATAAATTTGACTTTTTTGCAGAAACCTGGGGCTGAAC[C>T]TCCAGAAGAAGATGAAGGCACTAAGAGAGTTGATCCTCTACATCAGCTGATCCTTCTGTT-3'
Protein context (NP_001026.2, residues 3641-3661): IEDLAKPGAE[Pro3651Leu]PEEDEGTKRV